The following is an entry in ClinVar:

NM_004329.3(BMPR1A):c.866T>C (p.Leu289Pro)

Gene: BMPR1A (bone morphogenetic protein receptor type 1A; plus strand). Cytogenetic location: 10q23.2.
Variant type: single nucleotide variant.
Coding change: c.866T>C on transcript NM_004329.3 (MANE Select); coding-DNA position 866, T replaced by C.
Protein change: p.Leu289Pro; replaces leucine 289 with proline.
Molecular consequence: missense variant. On other transcripts: non-coding transcript variant (3).
Genome position (GRCh38, 1-based): chr10:86,917,324, T>C. VCF-style: chr10-86917324-T-C. GRCh37 (hg19) VCF-style: chr10-88677081-T-C.
Other names: c.866T>C, p.Leu289Pro (NM_001406578.1, NM_001406579.1, NM_001406580.1 and 19 more transcripts); c.860T>C, p.Leu287Pro (NM_001406583.1); c.782T>C, p.Leu261Pro (NM_001406584.1, NM_001406585.1, NM_001406586.1 and 2 more transcripts); c.941T>C, p.Leu314Pro (NM_001406559.1); c.914T>C, p.Leu305Pro (NM_001406560.1); c.524T>C, p.Leu175Pro (NM_001406589.1); short protein forms L287P, L305P, L261P, L314P, L289P, L175P.
Identifiers: ClinVar variation 5032960 (VCV005032960.1).
Genomic context (GRCh38, chr10:86,917,324, plus strand): 5'-CCAGCTGGTTTCGAGAAACAGAAATCTACCAAACTGTGCTAATGCGCCATGAAAACATAC[T>C]TGGTGGGTACACACTGATTCAGTCAATTTCATTTTTGACAAGGCTAGTGAGGTACAGGTG-3'
Protein context (NP_004320.2, residues 279-299): QTVLMRHENI[Leu289Pro]GFIAADIKGT

ClinVar aggregate classification (germline): Uncertain significance (1 of 4 stars; one submission).

Conditions:
Hereditary cancer-predisposing syndrome. Also called: Neoplastic Syndromes, Hereditary; Tumor predisposition; Hereditary neoplastic syndrome; Hereditary Cancer Syndrome. Identifiers: Orphanet 140162, MedGen C0027672, MeSH D009386, MONDO:0015356.

Submission:

Ambry Genetics
Classification: Uncertain significance for Hereditary cancer-predisposing syndrome. Last evaluated: 2026-07-06. Review status: criteria provided, single submitter. Criteria: Ambry Variant Classification Scheme 2023. Collection method: clinical testing. Allele origin: germline.
Comment: The p.L289P variant (also known as c.866T>C), located in coding exon 7 of the BMPR1A gene, results from a T to C substitution at nucleotide position 866. The leucine at codon 289 is replaced by proline, an amino acid with similar properties. This amino acid position is conserved. In addition, this alteration is predicted to be deleterious by in silico analysis. Based on the available evidence, the clinical significance of this variant remains unclear.